The following is an entry in ClinVar:

ClinVar aggregate classification (germline): Uncertain significance (1 of 4 stars; one submission).

Conditions:
Hereditary spastic paraplegia 11. Also called: Spastic paraplegia, mental retardation and thin corpus callosum; SPASTIC PARAPLEGIA, AUTOSOMAL RECESSIVE, WITH MENTAL IMPAIRMENT AND THIN CORPUS CALLOSUM; Spastic Paraplegia 11; Nakamura Osame syndrome; Autosomal recessive hereditary spastic paraplegia, mental impairment, and thin corpus callosum; SPASTIC PARAPLEGIA, AUTOSOMAL RECESSIVE, COMPLICATED, WITH THIN CORPUS CALLOSUM. Identifiers: Orphanet 2822, MedGen C1858479, MONDO:0011445, OMIM 604360.

Submission:

Labcorp Genetics (formerly Invitae), Labcorp
Classification: Uncertain significance for Hereditary spastic paraplegia 11. Last evaluated: 2022-07-14. Review status: criteria provided, single submitter. Criteria: Invitae Variant Classification Sherloc (09022015). Collection method: clinical testing. Allele origin: germline.
Comment: In summary, the available evidence is currently insufficient to determine the role of this variant in disease. Therefore, it has been classified as a Variant of Uncertain Significance. Experimental studies and prediction algorithms are not available or were not evaluated, and the functional significance of this variant is currently unknown. This variant has not been reported in the literature in individuals affected with SPG11-related conditions. This variant is not present in population databases (gnomAD no frequency). This variant, c.6551_6553del, results in the deletion of 1 amino acid(s) of the SPG11 protein (p.Tyr2184del), but otherwise preserves the integrity of the reading frame.

NM_025137.4(SPG11):c.6548ACT[1] (p.Tyr2184del)

Gene: SPG11 (SPG11 vesicle trafficking associated, spatacsin; minus strand). Cytogenetic location: 15q21.1.
Variant type: Microsatellite.
Coding change: c.6548ACT[1] on transcript NM_025137.4 (MANE Select); one copy of the 3-base unit ACT starting at c.6548; the reference has two copies in a row; one copy, 3 bases deleted.
Protein change: p.Tyr2184del; deletes tyrosine 2184.
Molecular consequence: inframe deletion. On other transcripts: inframe indel (1).
Genome position (GRCh38, 1-based): chr15:44,569,430-44,569,432, AGT deleted on the plus strand (ACT on the coding strand, the reverse complement: SPG11 is on the minus strand); deleting any 3 consecutive bases within chr15:44,569,430-44,569,435 gives the same sequence; the position shown is the placement nearest the transcript's 3' end. VCF-style (leftmost placement, unchanged base first): chr15-44569429-AAGT-A. GRCh37 (hg19) VCF-style: chr15-44861627-AAGT-A.
Other names: c.6209ACT[1], p.Tyr2071del (NM_001160227.2); c.6404_6406ACT[1], p.Tyr2136del (NM_001411132.1); short protein forms Y2071del, Y2184del, Y2136del.
Identifiers: ClinVar variation 1975412 (VCV001975412.4), dbSNP rs2505197676, ClinGen allele CA2575708308.
Genomic context (GRCh38, chr15:44,569,429, plus strand): 5'-CATCCTGGAGCTCATTACTTTGCACCTACCGGATCCAACTTCTTCCTCATTAGCACTTCA[AAGT>A]AGTGCTTTTTATGCAGCAAATCAAATATGTATGTCATCTCGTTGTACCTTCCAATGCCAG-3'